The following is an entry in ClinVar:

NM_000426.4(LAMA2):c.6488del (p.Lys2163fs)

Gene: LAMA2 (laminin subunit alpha 2; plus strand). Cytogenetic location: 6q22.33.
Variant type: Deletion.
Coding change: c.6488del on transcript NM_000426.4 (MANE Select); coding-DNA position 6488, one base deleted (A; older notation c.6488delA).
Protein change: p.Lys2163fs; shifts the reading frame from lysine 2163.
Molecular consequence: frameshift variant.
Genome position (GRCh38, 1-based): chr6:129,453,046, A deleted; the last of 2 consecutive A bases (chr6:129,453,045-129,453,046); deleting either gives the same sequence. VCF-style (leftmost placement, unchanged base first): chr6-129453044-CA-C. GRCh37 (hg19) VCF-style: chr6-129774189-CA-C.
Other names: c.6488del, p.Lys2163fs (NM_001079823.2); c.6488delA (NM_000426.3); short protein forms K2163fs.
Identifiers: ClinVar variation 265332 (VCV000265332.9), dbSNP rs886039482, ClinGen allele CA10588408.

ClinVar aggregate classification (germline): Pathogenic. Review status: criteria provided, multiple submitters, no conflicts (2 of 4 stars). 5 submissions from 5 submitters: Pathogenic (5). Last evaluated 2026-07-10.

Conditions:
LAMA2-related disorder. Also called: LAMA2-related disorders; LAMA2-related condition.
LAMA2-related muscular dystrophy (LAMA2-RD). Also called: Laminin alpha 2-related dystrophy. Identifiers: MedGen C5679788, MONDO:0100228.
Merosin deficient congenital muscular dystrophy (MDC1A). Also called: Congenital Muscular Dystrophy Type 1A (MDC1A); Congenital merosin-deficient muscular dystrophy 1A. Identifiers: Orphanet 258, MedGen C1263858, MONDO:0011925, OMIM 607855.

Submissions (5):

PreventionGenetics, part of Exact Sciences
Classification: Pathogenic for LAMA2-related condition. Last evaluated: 2026-07-10. Review status: criteria provided, single submitter. Criteria: ACMG Guidelines, 2015. Collection method: clinical testing. Allele origin: germline.
Comment: The LAMA2 c.6488delA variant is predicted to result in a frameshift and premature protein termination (p.Lys2163Argfs*12). This variant is one of the most common pathogenic variants in LAMA2 (Abdel Aleem et al 2020. PubMed ID: 32444167; Oliveira et al. 2018. PubMed ID: 30055037). This variant has not been reported in a large population database (gnomAD), indicating this variant is rare. Frameshift variants in LAMA2 are expected to be pathogenic. This variant is interpreted as pathogenic.

Genomic Medicine Center of Excellence, King Faisal Specialist Hospital and Research Centre
Classification: Pathogenic for Merosin deficient congenital muscular dystrophy. Last evaluated: 2024-09-22. Review status: criteria provided, single submitter. Criteria: ACMG Guidelines, 2015. Collection method: clinical testing. Allele origin: germline.

GeneDx
Classification: Pathogenic. Last evaluated: 2022-02-28. Review status: criteria provided, single submitter. Criteria: GeneDx Variant Classification Process June 2021. Collection method: clinical testing. Allele origin: germline. Affected: yes.
Comment: Reported as one of the most common pathogenic variants in LAMA2 with greater than 15 entries in the LOVD database (Oliveira et al., 2018); Not observed in large population cohorts (gnomAD); Frameshift variant predicted to result in protein truncation or nonsense mediated decay in a gene for which loss-of-function is a known mechanism of disease; This variant is associated with the following publications: (PMID: 32444167, 30055037, 20207543, 32860008)

Labcorp Genetics (formerly Invitae), Labcorp
Classification: Pathogenic for LAMA2-related muscular dystrophy. Last evaluated: 2017-12-15. Review status: criteria provided, single submitter. Criteria: Invitae Variant Classification Sherloc (09022015). Collection method: clinical testing. Allele origin: germline.
Comment: This sequence change creates a premature translational stop signal (p.Lys2163Argfs*12) in the LAMA2 gene. It is expected to result in an absent or disrupted protein product. This variant is not present in population databases (ExAC no frequency). This variant has been reported in the homozygous state in an individualÂ¬â€  affected with merosin deficient congenital muscular dystrophy (PMID: 20207543). ClinVar contains an entry for this variant (Variation ID: 265332). Loss-of-function variants in LAMA2 are known to be pathogenic (PMID: 18700894). For these reasons, this variant has been classified as Pathogenic.

CENTOGENE GmbH and LLC - Guiding Precision Medicine
Classification: Pathogenic for Merosin deficient congenital muscular dystrophy. Review status: criteria provided, single submitter. Criteria: ACMG Guidelines, 2015. Collection method: clinical testing. Allele origin: germline. Affected: yes.

Literature cited by the submitters: PubMed 20207543 (cited by Labcorp Genetics (formerly Invitae), Labcorp); PubMed 32860008 (cited by CENTOGENE GmbH and LLC - Guiding Precision Medicine).